The following is an entry in ClinVar:

NM_021815.5(SLC5A7):c.1664C>T (p.Ser555Leu)

Gene: SLC5A7 (solute carrier family 5 member 7; plus strand). Cytogenetic location: 2q12.3.
Variant type: single nucleotide variant.
Coding change: c.1664C>T on transcript NM_021815.5 (MANE Select); coding-DNA position 1664, C replaced by T.
Protein change: p.Ser555Leu; replaces serine 555 with leucine.
Molecular consequence: missense variant.
Genome position (GRCh38, 1-based): chr2:108,010,782, C>T. VCF-style: chr2-108010782-C-T. GRCh37 (hg19) VCF-style: chr2-108627238-C-T.
Other names: c.1664C>T, p.Ser555Leu (NM_001305005.3); c.1349C>T, p.Ser450Leu (NM_001305006.3); c.923C>T, p.Ser308Leu (NM_001305007.3); short protein forms S555L, S308L, S450L.
Identifiers: ClinVar variation 4785026 (VCV004785026.1).

ClinVar aggregate classification (germline): Uncertain significance (1 of 4 stars; one submission).

Conditions:
Congenital myasthenic syndrome 20. Also called: Myasthenic syndrome, congenital, 20, presynaptic. Identifiers: MedGen C4310694, MONDO:0014939, OMIM 617143.
Neuronopathy, distal hereditary motor, type 7A. Also called: NEURONOPATHY, DISTAL HEREDITARY MOTOR, HARDING TYPE VIIA; NEUROPATHY, DISTAL HEREDITARY MOTOR, HARDING TYPE VIIA; Neuronopathy, distal hereditary motor, type viia; HARPER-YOUNG MYOPATHY; HMN VIIA; Neuronopathy, distal hereditary motor, autosomal dominant 7. Identifiers: Orphanet 139589, MedGen C1834703, MONDO:0008024, OMIM 158580.

Submission:

Labcorp Genetics (formerly Invitae), Labcorp
Classification: Uncertain significance for Neuronopathy, distal hereditary motor, type 7A; Congenital myasthenic syndrome 20. Last evaluated: 2025-05-14. Review status: criteria provided, single submitter. Criteria: Invitae Variant Classification Sherloc (09022015). Collection method: clinical testing. Allele origin: germline.
Comment: This sequence change replaces serine, which is neutral and polar, with leucine, which is neutral and non-polar, at codon 555 of the SLC5A7 protein (p.Ser555Leu). This variant is not present in population databases (gnomAD no frequency). This variant has not been reported in the literature in individuals affected with SLC5A7-related conditions. An algorithm developed to predict the effect of missense changes on protein structure and function (PolyPhen-2) suggests that this variant is likely to be tolerated. In summary, the available evidence is currently insufficient to determine the role of this variant in disease. Therefore, it has been classified as a Variant of Uncertain Significance.